The following is an entry in ClinVar:

ClinVar aggregate classification (germline): Uncertain significance. Review status: criteria provided, multiple submitters, no conflicts (2 of 4 stars). 2 submissions from 2 submitters: Uncertain significance (2). Last evaluated 2024-11-30.

Conditions:
Hereditary cancer-predisposing syndrome. Also called: Tumor predisposition; Neoplastic Syndromes, Hereditary; Hereditary neoplastic syndrome; Hereditary Cancer Syndrome. Identifiers: Orphanet 140162, MedGen C0027672, MeSH D009386, MONDO:0015356.
Ataxia-telangiectasia syndrome (AT). Also called: Ataxia-telangiectasia, complementation group D; AT, COMPLEMENTATION GROUP C; ATAXIA-TELANGIECTASIA, COMPLEMENTATION GROUP A; ATAXIA-TELANGIECTASIA, FRESNO VARIANT; Ataxia-telangiectasia; Ataxia telangiectasia (A-T). Identifiers: Orphanet 100, MedGen C0004135, MONDO:0008840, OMIM 208900.

Allele frequency attached by ClinVar (database versions not stated): gnomAD exomes below 0.00001; TOPMed 0.00001; ExAC 0.00001.

Submissions (2):

Labcorp Genetics (formerly Invitae), Labcorp
Classification: Uncertain significance for Ataxia-telangiectasia syndrome. Last evaluated: 2024-11-30. Review status: criteria provided, single submitter. Criteria: Invitae Variant Classification Sherloc (09022015). Collection method: clinical testing. Allele origin: germline.
Comment: This sequence change replaces alanine, which is neutral and non-polar, with aspartic acid, which is acidic and polar, at codon 2635 of the ATM protein (p.Ala2635Asp). This variant is present in population databases (rs754002355, gnomAD 0.006%). This variant has not been reported in the literature in individuals affected with ATM-related conditions. ClinVar contains an entry for this variant (Variation ID: 922945). Invitae Evidence Modeling of protein sequence and biophysical properties (such as structural, functional, and spatial information, amino acid conservation, physicochemical variation, residue mobility, and thermodynamic stability) has been performed for this missense variant. However, the output from this modeling did not meet the statistical confidence thresholds required to predict the impact of this variant on ATM protein function. In summary, the available evidence is currently insufficient to determine the role of this variant in disease. Therefore, it has been classified as a Variant of Uncertain Significance.

Color Diagnostics, LLC DBA Color Health
Classification: Uncertain significance for Hereditary cancer-predisposing syndrome. Last evaluated: 2023-12-04. Review status: criteria provided, single submitter. Criteria: ACMG Guidelines, 2015. Collection method: clinical testing. Allele origin: germline.
Comment: This missense variant replaces alanine with aspartic acid at codon 2635 of the ATM protein. Computational prediction is inconclusive regarding the impact of this variant on protein structure and function (internally defined REVEL score threshold 0.5 < inconclusive < 0.7, PMID: 27666373). To our knowledge, functional studies have not been reported for this variant. This variant has not been reported in individuals affected with ATM-related disorders in the literature. This variant has been identified in 1/250540 chromosomes in the general population by the Genome Aggregation Database (gnomAD). The available evidence is insufficient to determine the role of this variant in disease conclusively. Therefore, this variant is classified as a Variant of Uncertain Significance.

NM_000051.4(ATM):c.7904C>A (p.Ala2635Asp)

Genes: ATM (ATM serine/threonine kinase; plus strand), C11orf65 (chromosome 11 open reading frame 65; minus strand). Cytogenetic location: 11q22.3.
Variant type: single nucleotide variant.
Coding change: c.7904C>A on transcript NM_000051.4 (MANE Select); coding-DNA position 7904, C replaced by A.
Protein change: p.Ala2635Asp; replaces alanine 2635 with aspartic acid.
Molecular consequence: missense variant. On other transcripts: intron variant (2).
Genome position (GRCh38, 1-based): chr11:108,332,877, C>A. VCF-style: chr11-108332877-C-A. GRCh37 (hg19) VCF-style: chr11-108203604-C-A.
Other names: c.7904C>A, p.Ala2635Asp (NM_001351834.2); c.641-23806G>T (NM_001330368.2); c.*38+2343G>T (NM_001351110.2); short protein forms A2635D.
Identifiers: ClinVar variation 922945 (VCV000922945.7), dbSNP rs754002355, ClinGen allele CA6266208.